The following is an entry in ClinVar:

ClinVar aggregate classification (germline): Pathogenic (1 of 4 stars; one submission).

Conditions:
Hereditary retinoblastoma. Identifiers: Orphanet 357027, MedGen C0751483, MONDO:0018160.

Submission:

Institute for Genomic Medicine (IGM) Clinical Laboratory, Nationwide Children's Hospital
Classification: Pathogenic for Hereditary retinoblastoma. Last evaluated: 2023-05-11. Review status: criteria provided, single submitter. Criteria: ACMG Guidelines, 2015. Collection method: clinical testing. Allele origin: germline.
Comment: This variant is predicted to result in loss of function through nonsense-mediated decay of the encoded transcript or premature truncation of the encoded protein in a gene in which loss of function is a known mechanism of disease (ACMG/AMP: PVS1). This variant is absent from or present at an exceedingly low frequency in gnomAD, a large-scale control population database (ACMG/AMP: PM2). This variant is in a gene that is highly specific for a disease with a single genetic etiology (ACMG/AMP: PP4).

NM_000321.3(RB1):c.54_73del (p.Glu19fs)

Gene: RB1 (RB transcriptional corepressor 1; plus strand). Cytogenetic location: 13q14.2.
Variant type: Deletion.
Coding change: c.54_73del on transcript NM_000321.3 (MANE Select); coding-DNA positions 54 to 73, 20 bases deleted (GGAACCCCCGGCACCGCCGC).
Protein change: p.Glu19fs; shifts the reading frame from glutamic acid 19.
Molecular consequence: frameshift variant.
Genome position (GRCh38, 1-based): chr13:48,303,966-48,303,985, GGAACCCCCGGCACCGCCGC deleted; deleting any 20 consecutive bases within chr13:48,303,959-48,303,985 gives the same sequence; the c. name uses the placement nearest the transcript's 3' end. VCF-style (leftmost placement, unchanged base first): chr13-48303958-GCCGCCGCGGAACCCCCGGCA-G. GRCh37 (hg19) VCF-style: chr13-48878094-GCCGCCGCGGAACCCCCGGCA-G.
Other names: c.54_73del, p.Glu19fs (NM_001407165.1, NM_001407166.1, NM_001407167.1); short protein forms E19fs.
Identifiers: ClinVar variation 4759311 (VCV004759311.1).
Genomic context (GRCh38, chr13:48,303,958, plus strand): 5'-CCGCGGAAAGGCGTCATGCCGCCCAAAACCCCCCGAAAAACGGCCGCCACCGCCGCCGCT[GCCGCCGCGGAACCCCCGGCA>G]CCGCCGCCGCCGCCCCCTCCTGAGGAGGACCCAGAGCAGGACAGCGGCCCGGAGGACCTG-3'